The following is an entry in ClinVar:

ClinVar aggregate classification (germline): Likely benign. Review status: criteria provided, multiple submitters, no conflicts (2 of 4 stars). 2 submissions from 2 submitters: Likely benign (2). Last evaluated 2025-07-07.

Allele frequency attached by ClinVar (database versions not stated): gnomAD exomes 0.00013 and 0.00014; gnomAD 0.00015 and 0.00016; ExAC 0.00018; TOPMed 0.00020.
gnomAD v4.1: 215 of 1,614,036 alleles (0.013%); highest among the groups gnomAD compares: Admixed American, 0.02%; no homozygotes.

Submissions (2):

Labcorp Genetics (formerly Invitae), Labcorp
Classification: Likely benign. Last evaluated: 2025-07-07. Review status: criteria provided, single submitter. Criteria: Invitae Variant Classification Sherloc (09022015). Collection method: clinical testing. Allele origin: germline.

CeGaT Center for Human Genetics Tuebingen
Classification: Likely benign. Last evaluated: 2024-09-01. Review status: criteria provided, single submitter. Criteria: CeGaT Center For Human Genetics Tuebingen Variant Classification Criteria Version 2. Collection method: clinical testing. Allele origin: germline. Affected: yes. Observed: 1 variant allele.
Comment: HIVEP2: BP4, BP7

NM_006734.4(HIVEP2):c.1977G>A (p.Arg659=)

Gene: HIVEP2 (HIVEP zinc finger 2; minus strand). Cytogenetic location: 6q24.2.
Variant type: single nucleotide variant.
Coding change: c.1977G>A on transcript NM_006734.4 (MANE Select); coding-DNA position 1977, G replaced by A.
Protein change: p.Arg659=; no amino-acid change (arginine 659 retained).
Molecular consequence: synonymous variant.
Genome position (GRCh38, 1-based): chr6:142,772,762, C>T on the plus strand (G>A on the coding strand, the complement: HIVEP2 is on the minus strand). VCF-style: chr6-142772762-C-T. GRCh37 (hg19) VCF-style: chr6-143093899-C-T.
Identifiers: ClinVar variation 759167 (VCV000759167.22), dbSNP rs777133298, ClinGen allele CA4028499.